The following is an entry in ClinVar:

NM_031220.4(PITPNM3):c.1083_1085+11dup

Gene: PITPNM3 (PITPNM family member 3; minus strand). Cytogenetic location: 17p13.2.
Variant type: Duplication.
Coding change: c.1083_1085+11dup on transcript NM_031220.4 (MANE Select); coding-DNA position 1083 through 11 bases into the intron after coding-DNA position 1085, 14 bases duplicated (AAGGTAGCCCCTCC).
Molecular consequence: splice donor variant.
Genome position (GRCh38, 1-based): chr17:6,477,018-6,477,031, GGAGGGGCTACCTT duplicated on the plus strand (AAGGTAGCCCCTCC on the coding strand, the reverse complement: PITPNM3 is on the minus strand); duplicating any 14 consecutive bases within chr17:6,477,018-6,477,032 gives the same sequence; the c. name uses the placement nearest the transcript's 3' end. VCF-style (leftmost placement, unchanged base first): chr17-6477017-G-GGGAGGGGCTACCTT. GRCh37 (hg19) VCF-style: chr17-6380337-G-GGGAGGGGCTACCTT.
Other names: c.975_977+11dup (NM_001165966.2).
Identifiers: ClinVar variation 1466901 (VCV001466901.8), dbSNP rs765803341, ClinGen allele CA8329624.
Genomic context (GRCh38, chr17:6,477,017, plus strand): 5'-ATCTGACTGGTCACAGCCCTCCCAGTTGGCTCTGAGCCAAGGTCTTCTTGCTTCTGGACA[G>GGGAGGGGCTACCTT]GGAGGGGCTACCTTGAGAGGAAGGCATGGTGCTGGGTGATGGCCTCGCAGTCATAGGTGG-3'

ClinVar aggregate classification (germline): Uncertain significance (1 of 4 stars; one submission).

Submission:

Labcorp Genetics (formerly Invitae), Labcorp
Classification: Uncertain significance. Last evaluated: 2022-09-23. Review status: criteria provided, single submitter. Criteria: Invitae Variant Classification Sherloc (09022015). Collection method: clinical testing. Allele origin: germline.
Comment: ClinVar contains an entry for this variant (Variation ID: 1466901). This sequence change falls in intron 9 of the PITPNM3 gene. It does not directly change the encoded amino acid sequence of the PITPNM3 protein. This variant is present in population databases (rs765803341, gnomAD 0.008%). This variant has been observed in individual(s) with clinical features of PITPNM3-related conditions (Invitae). Algorithms developed to predict the effect of sequence changes on RNA splicing suggest that this variant may create or strengthen a splice site. In summary, the available evidence is currently insufficient to determine the role of this variant in disease. Therefore, it has been classified as a Variant of Uncertain Significance.